The following is an entry in ClinVar:

ClinVar aggregate classification (germline): Benign. Review status: criteria provided, multiple submitters, no conflicts (2 of 4 stars). 3 submissions from 3 submitters: Benign (2). 1 of the submissions does not count toward it. Last evaluated 2018-08-17.

Conditions:
LHX8-related disorder. Also called: LHX8-related condition.

Allele frequency attached by ClinVar (database versions not stated): gnomAD exomes 0.00147 and 0.00059; ExAC 0.00180; ESP Exome Variant Server 0.00646; TOPMed 0.00692; gnomAD 0.00612 and 0.00658; 1000 Genomes Project 0.00679; 1000 Genomes Project 30x 0.00703.
gnomAD v4.1: 1,845 of 1,614,160 alleles (0.11%); highest among the groups gnomAD compares: African/African-American, 2.1%; 22 homozygotes.

Submissions (5):

Labcorp Genetics (formerly Invitae), Labcorp
Classification: Benign. Last evaluated: 2018-08-17. Review status: criteria provided, single submitter. Criteria: Invitae Variant Classification Sherloc (09022015). Collection method: clinical testing. Allele origin: germline.

Breakthrough Genomics
Classification: Benign. Review status: criteria provided, single submitter. Criteria: ACMG Guidelines, 2015. Collection method: not provided. Allele origin: germline. Inheritance: Unknown mechanism. Affected: yes.

PreventionGenetics, part of Exact Sciences
Classification: Benign for LHX8-related condition. Last evaluated: 2019-03-20. Review status: no assertion criteria provided. Collection method: clinical testing. Allele origin: germline. Not counted in ClinVar's aggregate classification.
Comment: This variant is classified as benign based on ACMG/AMP sequence variant interpretation guidelines (Richards et al. 2015 PMID: 25741868, with internal and published modifications).

Dr. Peter K. Rogan Lab, Western University
No classification provided (evidence only). Condition: Lung cancer. Review status: no classification provided. Collection method: in vitro. Allele origin: not applicable. Functional consequence: retained intron. Not counted in ClinVar's aggregate classification.

Dr. Peter K. Rogan Lab, Western University
No classification provided (evidence only). Condition: Sarcoma. Review status: no classification provided. Collection method: in vitro. Allele origin: not applicable. Functional consequence: retained intron. Not counted in ClinVar's aggregate classification.

NM_001256114.2(LHX8):c.783G>T (p.Val261=)

Gene: LHX8 (LIM homeobox 8; plus strand). Cytogenetic location: 1p31.1.
Variant type: single nucleotide variant.
Coding change: c.783G>T on transcript NM_001256114.2 (MANE Select); coding-DNA position 783, G replaced by T.
Protein change: p.Val261=; no amino-acid change (valine 261 retained).
Molecular consequence: synonymous variant.
Genome position (GRCh38, 1-based): chr1:75,156,895, G>T. VCF-style: chr1-75156895-G-T. GRCh37 (hg19) VCF-style: chr1-75622580-G-T.
Other names: NC_000001.10:g.75622580G>T; c.813G>T, p.Val271= (NM_001001933.1).
Identifiers: ClinVar variation 782378 (VCV000782378.7), dbSNP rs79714503, ClinGen allele CA912009.